The following is an entry in ClinVar:

ClinVar aggregate classification (germline): Uncertain significance (1 of 4 stars; one submission).

Conditions:
Neuropathy, hereditary sensory and autonomic, type 2A (HSAN2A). Also called: MORVAN DISEASE; NEUROPATHY, CONGENITAL SENSORY; NEUROPATHY, HEREDITARY SENSORY RADICULAR, AUTOSOMAL RECESSIVE; NEUROPATHY, HEREDITARY SENSORY, TYPE IIA; NEUROPATHY, PROGRESSIVE SENSORY, OF CHILDREN; ACROOSTEOLYSIS, GIACCAI TYPE. Identifiers: Orphanet 970, MedGen C2752089, MONDO:0024309, OMIM 201300.
Generalized epilepsy with febrile seizures plus, type 7 (GEFSP7). Also called: GEFS+, TYPE 7. Identifiers: Orphanet 36387, MedGen C2751778, MONDO:0013470, OMIM 613863.

Submission:

Labcorp Genetics (formerly Invitae), Labcorp
Classification: Uncertain significance for Neuropathy, hereditary sensory and autonomic, type 2A; Generalized epilepsy with febrile seizures plus, type 7. Last evaluated: 2024-04-07. Review status: criteria provided, single submitter. Criteria: Invitae Variant Classification Sherloc (09022015). Collection method: clinical testing. Allele origin: germline.
Comment: This sequence change creates a premature translational stop signal (p.Glu1787Valfs*3) in the SCN9A gene. While this is not anticipated to result in nonsense mediated decay, it is expected to disrupt the last 191 amino acid(s) of the SCN9A protein. This variant is not present in population databases (gnomAD no frequency). This variant has not been reported in the literature in individuals affected with SCN9A-related conditions. Algorithms developed to predict the effect of sequence changes on RNA splicing suggest that this variant may create or strengthen a splice site. This variant disrupts the C-terminus of the SCN9A protein. Other variant(s) that disrupt this region (p.Leu1831*) have been observed in individuals with SCN9A-related conditions (PMID: 25995458). This suggests that this may be a clinically significant region of the protein. In summary, the available evidence is currently insufficient to determine the role of this variant in disease. Therefore, it has been classified as a Variant of Uncertain Significance.

Literature cited by the submitters: PubMed 25995458.

NM_001365536.1(SCN9A):c.5393_5394del (p.Glu1798fs)

Genes: SCN9A (sodium voltage-gated channel alpha subunit 9; minus strand), SCN1A-AS1 (SCN1A and SCN9A antisense RNA 1; plus strand). Cytogenetic location: 2q24.3.
Variant type: Microsatellite.
Coding change: c.5393_5394del on transcript NM_001365536.1 (MANE Select); coding-DNA positions 5393 to 5394, 2 bases deleted (AG; older notation c.5393_5394delAG).
Protein change: p.Glu1798fs; shifts the reading frame from glutamic acid 1798.
Molecular consequence: frameshift variant.
Genome position (GRCh38, 1-based): chr2:166,199,245-166,199,246, CT deleted on the plus strand (AG on the coding strand, the reverse complement: SCN9A is on the minus strand); deleting any 2 consecutive bases within chr2:166,199,245-166,199,248 gives the same sequence; the c. name uses the placement nearest the transcript's 3' end. VCF-style (leftmost placement, unchanged base first): chr2-166199244-ACT-A. GRCh37 (hg19) VCF-style: chr2-167055754-ACT-A.
Other names: c.5360_5361del, p.Glu1787fs (NM_002977.4); short protein forms E1787fs, E1798fs.
Identifiers: ClinVar variation 3755744 (VCV003755744.2).
Genomic context (GRCh38, chr2:166,199,244, plus strand): 5'-TGGGTTTTGCTATGAGAAGAGGAGGATCCAGGGCAGCTGCAAAATCAGAGAGTTTAGAGA[ACT>A]CTATAAACTGGGTCGCATCGGGATCAAACTTCTCCCAAACCTCATAGAACATCTCAAAGT-3'